The following is an entry in ClinVar:

ClinVar aggregate classification (germline): Uncertain significance. Review status: criteria provided, multiple submitters, no conflicts (2 of 4 stars). 4 submissions from 4 submitters: Uncertain significance (4). Last evaluated 2025-12-09.

Conditions:
Myofibrillar myopathy 5. Also called: Filaminopathy (type); FILAMINOPATHY, AUTOSOMAL DOMINANT. Identifiers: Orphanet 171445, MedGen C1836050, MONDO:0012289, OMIM 609524.
Distal myopathy with posterior leg and anterior hand involvement. Also called: WILLIAMS DISTAL MYOPATHY. Identifiers: Orphanet 63273, MedGen C3279722, MONDO:0013550, OMIM 614065.
Hypertrophic cardiomyopathy 26. Also called: Cardiomyopathy, familial hypertrophic, 26. Identifiers: Orphanet 75249, MedGen C4310749, MONDO:0014883, OMIM 617047.
Cardiovascular phenotype. Identifiers: MedGen CN230736.
FLNC-related disorder. Also called: FLNC-related condition; FLNC-related disorders.

Allele frequency attached by ClinVar (database versions not stated): TOPMed 0.00002; gnomAD 0.00001; gnomAD exomes 0.00001.
gnomAD v4.1: 20 of 1,613,914 alleles (0.0012%); highest among the groups gnomAD compares: Non-Finnish European, 0.0017%; no homozygotes.

Submissions (4):

Labcorp Genetics (formerly Invitae), Labcorp
Classification: Uncertain significance for Distal myopathy with posterior leg and anterior hand involvement; Myofibrillar myopathy 5; Hypertrophic cardiomyopathy 26. Last evaluated: 2025-12-09. Review status: criteria provided, single submitter. Criteria: Invitae Variant Classification Sherloc (09022015). Collection method: clinical testing. Allele origin: germline.
Comment: This sequence change replaces glycine, which is neutral and non-polar, with aspartic acid, which is acidic and polar, at codon 839 of the FLNC protein (p.Gly839Asp). This variant is not present in population databases (gnomAD no frequency). This variant has not been reported in the literature in individuals affected with FLNC-related conditions. ClinVar contains an entry for this variant (Variation ID: 1300745). Invitae Evidence Modeling of protein sequence and biophysical properties (such as structural, functional, and spatial information, amino acid conservation, physicochemical variation, residue mobility, and thermodynamic stability) has been performed for this missense variant. However, the output from this modeling did not meet the statistical confidence thresholds required to predict the impact of this variant on FLNC protein function. In summary, the available evidence is currently insufficient to determine the role of this variant in disease. Therefore, it has been classified as a Variant of Uncertain Significance.

Ambry Genetics
Classification: Uncertain significance for Cardiovascular phenotype. Last evaluated: 2024-08-28. Review status: criteria provided, single submitter. Criteria: Ambry Variant Classification Scheme 2023. Collection method: clinical testing. Allele origin: germline.
Comment: The p.G839D variant (also known as c.2516G>A), located in coding exon 16 of the FLNC gene, results from a G to A substitution at nucleotide position 2516. The glycine at codon 839 is replaced by aspartic acid, an amino acid with similar properties. This amino acid position is conserved. In addition, this alteration is predicted to be deleterious by in silico analysis. Since supporting evidence is limited at this time, the clinical significance of this alteration remains unclear.

PreventionGenetics, part of Exact Sciences
Classification: Uncertain significance for FLNC-related condition. Last evaluated: 2022-11-16. Review status: criteria provided, single submitter. Criteria: ACMG Guidelines, 2015. Collection method: clinical testing. Allele origin: germline.
Comment: The FLNC c.2516G>A variant is predicted to result in the amino acid substitution p.Gly839Asp. To our knowledge, this variant has not been reported in the literature or in a large population database, indicating this variant is rare. At this time, the clinical significance of this variant is uncertain due to the absence of conclusive functional and genetic evidence.

GeneDx
Classification: Uncertain significance. Last evaluated: 2021-10-07. Review status: criteria provided, single submitter. Criteria: GeneDx Variant Classification Process June 2021. Collection method: clinical testing. Allele origin: germline. Affected: yes.
Comment: Has not been previously published as pathogenic or benign to our knowledge; Not observed in large population cohorts (Lek et al., 2016); In silico analysis supports that this missense variant has a deleterious effect on protein structure/function

NM_001458.5(FLNC):c.2516G>A (p.Gly839Asp)

Gene: FLNC (filamin C; plus strand). Cytogenetic location: 7q32.1.
Variant type: single nucleotide variant.
Coding change: c.2516G>A on transcript NM_001458.5 (MANE Select); coding-DNA position 2516, G replaced by A.
Protein change: p.Gly839Asp; replaces glycine 839 with aspartic acid.
Molecular consequence: missense variant.
Genome position (GRCh38, 1-based): chr7:128,842,920, G>A. VCF-style: chr7-128842920-G-A. GRCh37 (hg19) VCF-style: chr7-128482974-G-A.
Other names: c.2516G>A, p.Gly839Asp (NM_001127487.2); short protein forms G839D.
Identifiers: ClinVar variation 1300745 (VCV001300745.10), dbSNP rs940353148, ClinGen allele CA166175659.